The following is an entry in ClinVar:

NM_001378778.1(MPDZ):c.4338_4339inv (p.Val1447Leu)

Gene: MPDZ (multiple PDZ domain crumbs cell polarity complex component; minus strand). Cytogenetic location: 9p23.
Variant type: Inversion.
Coding change: c.4338_4339inv on transcript NM_001378778.1 (MANE Select).
Protein change: p.Val1447Leu; replaces valine 1447 with leucine.
Molecular consequence: missense variant.
Genome position: GRCh38 VCF-style: chr9-13136136-CT-AG. GRCh37 (hg19) VCF-style: chr9-13136135-CT-AG.
Other names: c.4239_4240inv, p.Val1414Leu (NM_001261406.2, NM_001261407.2, NM_001375416.1 and 3 more transcripts); c.4338_4339inv, p.Val1447Leu (NM_001330637.2, NM_001375413.1, NM_003829.5); c.4128_4129inv, p.Val1377Leu (NM_001375420.1, NM_001375421.1, NM_001375422.1 and 4 more transcripts); c.3930_3931inv, p.Val1311Leu (NM_001375427.1); short protein forms V1377L, V1311L, V1414L, V1447L.
Identifiers: ClinVar variation 1474435 (VCV001474435.6), ClinGen allele CA2573143528.

ClinVar aggregate classification (germline): Uncertain significance (1 of 4 stars; one submission).

Submission:

Labcorp Genetics (formerly Invitae), Labcorp
Classification: Uncertain significance. Last evaluated: 2025-07-07. Review status: criteria provided, single submitter. Criteria: Invitae Variant Classification Sherloc (09022015). Collection method: clinical testing. Allele origin: germline.
Comment: This sequence change replaces valine with leucine at codon 1447 of the MPDZ protein (p.Val1447Leu). The valine residue is moderately conserved and there is a small physicochemical difference between valine and leucine. Information on the frequency of this variant in the gnomAD database is not available, as this variant may be reported differently in the database. This variant has not been reported in the literature in individuals affected with MPDZ-related conditions. ClinVar contains an entry for this variant (Variation ID: 1474435). Experimental studies and prediction algorithms are not available or were not evaluated, and the functional significance of this variant is currently unknown. In summary, the available evidence is currently insufficient to determine the role of this variant in disease. Therefore, it has been classified as a Variant of Uncertain Significance.